The following is an entry in ClinVar:

NM_000038.6(APC):c.4805C>T (p.Pro1602Leu)

Gene: APC (APC regulator of Wnt signaling pathway; plus strand). Cytogenetic location: 5q22.2.
Variant type: single nucleotide variant.
Coding change: c.4805C>T on transcript NM_000038.6 (MANE Select); coding-DNA position 4805, C replaced by T.
Protein change: p.Pro1602Leu; replaces proline 1602 with leucine.
Molecular consequence: missense variant.
Genome position (GRCh38, 1-based): chr5:112,840,399, C>T. VCF-style: chr5-112840399-C-T. GRCh37 (hg19) VCF-style: chr5-112176096-C-T.
Other names: c.4805C>T, p.Pro1602Leu (NM_001127510.3, NM_001354895.2); c.4751C>T, p.Pro1584Leu (NM_001127511.3); c.4859C>T, p.Pro1620Leu (NM_001354896.2); c.4835C>T, p.Pro1612Leu (NM_001354897.2); c.4730C>T, p.Pro1577Leu (NM_001354898.2); c.4721C>T, p.Pro1574Leu (NM_001354899.2); c.4682C>T, p.Pro1561Leu (NM_001354900.2); c.4628C>T, p.Pro1543Leu (NM_001354901.2); and 5 more; short protein forms P1442L, P1501L, P1319L, P1543L, P1602L, P1476L, P1577L, P1612L.
Identifiers: ClinVar variation 927143 (VCV000927143.4), dbSNP rs1580652844, ClinGen allele CA16031864.

ClinVar aggregate classification (germline): Uncertain significance. Review status: criteria provided, multiple submitters, no conflicts (2 of 4 stars). 2 submissions from 2 submitters: Uncertain significance (2). Last evaluated 2026-08-06.

Conditions:
Hereditary cancer-predisposing syndrome. Also called: Neoplastic Syndromes, Hereditary; Hereditary Cancer Syndrome; Tumor predisposition; Hereditary neoplastic syndrome. Identifiers: Orphanet 140162, MedGen C0027672, MeSH D009386, MONDO:0015356.

Submissions (2):

Ambry Genetics
Classification: Uncertain significance for Hereditary cancer-predisposing syndrome. Last evaluated: 2026-08-06. Review status: criteria provided, single submitter. Criteria: Ambry Variant Classification Scheme 2023. Collection method: clinical testing. Allele origin: germline.
Comment: The p.P1602L variant (also known as c.4805C>T), located in coding exon 15 of the APC gene, results from a C to T substitution at nucleotide position 4805. The proline at codon 1602 is replaced by leucine, an amino acid with similar properties. This amino acid position is well conserved in available vertebrate species. In addition, in silico predictors for this gene do not accurately predict pathogenicity. Missense variants in APC are not a common cause of disease (Spier I et al. Genet Med. 2024 Feb;26(2):100992). Based on the available evidence, the clinical significance of this variant remains unclear.

Color Diagnostics, LLC DBA Color Health
Classification: Uncertain significance for Hereditary cancer-predisposing syndrome. Last evaluated: 2019-12-04. Review status: criteria provided, single submitter. Criteria: ACMG Guidelines, 2015. Collection method: clinical testing. Allele origin: germline.
Comment: This missense variant replaces proline with leucine at codon 1602 of the APC protein. Computational prediction suggests that this variant may not impact protein structure and function (internally defined REVEL score threshold <= 0.5, PMID: 27666373). Splice site prediction tools suggest that this variant may not impact RNA splicing. To our knowledge, functional studies have not been performed for this variant. This variant has not been reported in individuals affected with hereditary cancer in the literature. This variant has not been identified in the general population by the Genome Aggregation Database (gnomAD). The available evidence is insufficient to determine the role of this variant in disease conclusively. Therefore, this variant is classified as a Variant of Uncertain Significance.